The following is an entry in ClinVar:

ClinVar aggregate classification (germline): Uncertain significance. Review status: criteria provided, multiple submitters, no conflicts (2 of 4 stars). 2 submissions from 2 submitters: Uncertain significance (2). Last evaluated 2025-09-24.

Allele frequency attached by ClinVar (database versions not stated): gnomAD 0.00004 and 0.00003; TOPMed 0.00004; ESP Exome Variant Server 0.00008; 1000 Genomes Project 30x 0.00016; 1000 Genomes Project 0.00020; gnomAD exomes 0.00002; ExAC 0.00003.
gnomAD v4.1: 27 of 1,613,764 alleles (0.0017%); highest among the groups gnomAD compares: African/African-American, 0.0053%; no homozygotes.

Submissions (2):

Labcorp Genetics (formerly Invitae), Labcorp
Classification: Uncertain significance. Last evaluated: 2025-09-24. Review status: criteria provided, single submitter. Criteria: Invitae Variant Classification Sherloc (09022015). Collection method: clinical testing. Allele origin: germline.
Comment: This sequence change replaces valine, which is neutral and non-polar, with methionine, which is neutral and non-polar, at codon 106 of the DEAF1 protein (p.Val106Met). This variant is present in population databases (rs143376874, gnomAD 0.01%). This variant has not been reported in the literature in individuals affected with DEAF1-related conditions. ClinVar contains an entry for this variant (Variation ID: 994184). An algorithm developed to predict the effect of missense changes on protein structure and function outputs the following: PolyPhen-2: "Benign". The methionine amino acid residue is found in multiple mammalian species, which suggests that this missense change does not adversely affect protein function. In summary, the available evidence is currently insufficient to determine the role of this variant in disease. Therefore, it has been classified as a Variant of Uncertain Significance.

ARUP Laboratories, Molecular Genetics and Genomics, ARUP Laboratories
Classification: Uncertain significance. Last evaluated: 2019-12-18. Review status: criteria provided, single submitter. Criteria: ARUP Molecular Germline Variant Investigation Process. Collection method: clinical testing. Allele origin: germline.

NM_021008.4(DEAF1):c.316G>A (p.Val106Met)

Gene: DEAF1 (DEAF1 transcription factor; minus strand). Cytogenetic location: 11p15.5.
Variant type: single nucleotide variant.
Coding change: c.316G>A on transcript NM_021008.4 (MANE Select); coding-DNA position 316, G replaced by A.
Protein change: p.Val106Met; replaces valine 106 with methionine.
Molecular consequence: missense variant. On other transcripts: 5 prime UTR variant (1).
Genome position (GRCh38, 1-based): chr11:691,572, C>T on the plus strand (G>A on the coding strand, the complement: DEAF1 is on the minus strand). VCF-style: chr11-691572-C-T. GRCh37 (hg19) VCF-style: chr11-691572-C-T.
Other names: c.316G>A, p.Val106Met (NM_001293634.2); c.-411G>A (NM_001367390.1); short protein forms V106M.
Identifiers: ClinVar variation 994184 (VCV000994184.16), dbSNP rs143376874, ClinGen allele CA5786594.